The following is an entry in ClinVar:

NM_020738.4(KIDINS220):c.3056T>C (p.Leu1019Pro)

Gene: KIDINS220 (kinase D interacting substrate 220; minus strand). Cytogenetic location: 2p25.1.
Variant type: single nucleotide variant.
Coding change: c.3056T>C on transcript NM_020738.4 (MANE Select); coding-DNA position 3056, T replaced by C.
Protein change: p.Leu1019Pro; replaces leucine 1019 with proline.
Molecular consequence: missense variant. On other transcripts: non-coding transcript variant (2).
Genome position (GRCh38, 1-based): chr2:8,751,600, A>G on the plus strand (T>C on the coding strand, the complement: KIDINS220 is on the minus strand). VCF-style: chr2-8751600-A-G. GRCh37 (hg19) VCF-style: chr2-8891730-A-G.
Other names: c.3059T>C, p.Leu1020Pro (NM_001348729.2, NM_001348731.2, NM_001348734.2 and 2 more transcripts); c.3056T>C, p.Leu1019Pro (NM_001348732.2, NM_001348735.2, NM_001348738.2 and 3 more transcripts); c.2930T>C, p.Leu977Pro (NM_001348736.2); short protein forms L977P, L1019P, L1020P.
Identifiers: ClinVar variation 1914751 (VCV001914751.5), dbSNP rs2527634084, ClinGen allele CA345772588.

ClinVar aggregate classification (germline): Uncertain significance (1 of 4 stars; one submission).

Submission:

Labcorp Genetics (formerly Invitae), Labcorp
Classification: Uncertain significance. Last evaluated: 2022-10-07. Review status: criteria provided, single submitter. Criteria: Invitae Variant Classification Sherloc (09022015). Collection method: clinical testing. Allele origin: germline.
Comment: This sequence change replaces leucine, which is neutral and non-polar, with proline, which is neutral and non-polar, at codon 1019 of the KIDINS220 protein (p.Leu1019Pro). This variant is not present in population databases (gnomAD no frequency). This variant has not been reported in the literature in individuals affected with KIDINS220-related conditions. Algorithms developed to predict the effect of missense changes on protein structure and function (SIFT, PolyPhen-2, Align-GVGD) all suggest that this variant is likely to be disruptive. In summary, the available evidence is currently insufficient to determine the role of this variant in disease. Therefore, it has been classified as a Variant of Uncertain Significance.